The following is an entry in ClinVar:

NM_001145073.3(USP27X):c.89C>T (p.Ser30Leu)

Gene: USP27X (ubiquitin specific peptidase 27 X-linked; plus strand). Cytogenetic location: Xp11.23.
Variant type: single nucleotide variant.
Coding change: c.89C>T on transcript NM_001145073.3 (MANE Select); coding-DNA position 89, C replaced by T.
Protein change: p.Ser30Leu; replaces serine 30 with leucine.
Molecular consequence: missense variant.
Genome position (GRCh38, 1-based): chrX:49,880,396, C>T. VCF-style: chrX-49880396-C-T. GRCh37 (hg19) VCF-style: chrX-49644999-C-T.
Other names: short protein forms S30L.
Identifiers: ClinVar variation 3063919 (VCV003063919.1), dbSNP rs2519166754, ClinGen allele CA413088378.

ClinVar aggregate classification (germline): Uncertain significance (1 of 4 stars; one submission).

Submission:

Women's Health and Genetics/Laboratory Corporation of America, LabCorp
Classification: Uncertain significance. Last evaluated: 2024-01-15. Review status: criteria provided, single submitter. Criteria: LabCorp Variant Classification Summary - May 2015. Collection method: clinical testing. Allele origin: germline.
Comment: Variant summary: USP27X c.89C>T (p.Ser30Leu) results in a non-conservative amino acid change in the encoded protein sequence. Three of four in-silico tools predict a benign effect of the variant on protein function. The variant was absent in 114686 control chromosomes (gnomAD). The available data on variant occurrences in the general population are insufficient to allow any conclusion about variant significance. To our knowledge, no occurrence of c.89C>T in individuals affected with Intellectual Disability, X-Linked 105 and no experimental evidence demonstrating its impact on protein function have been reported. No submitters have cited clinical-significance assessments for this variant to ClinVar. Based on the evidence outlined above, the variant was classified as uncertain significance.